The following is an entry in ClinVar:

NM_033380.3(COL4A5):c.4632G>C (p.Trp1544Cys)

Gene: COL4A5 (collagen type IV alpha 5 chain; plus strand). Cytogenetic location: Xq22.3.
Variant type: single nucleotide variant.
Coding change: c.4632G>C on transcript NM_033380.3 (MANE Select); coding-DNA position 4632, G replaced by C.
Protein change: p.Trp1544Cys; replaces tryptophan 1544 with cysteine.
Molecular consequence: missense variant.
Genome position (GRCh38, 1-based): chrX:108,692,851, G>C. VCF-style: chrX-108692851-G-C. GRCh37 (hg19) VCF-style: chrX-107936081-G-C.
Other names: c.4614G>C, p.Trp1538Cys (NM_000495.5); short protein forms W1538C, W1544C.
Identifiers: ClinVar variation 1053313 (VCV001053313.9), dbSNP rs104886294, ClinGen allele CA413855635.
Genomic context (GRCh38, chrX:108,692,851, plus strand): 5'-CATGTTCTGCAACATCAATAATGTTTGCAACTTTGCTTCAAGAAATGACTATTCTTACTG[G>C]CTCTCTACCCCAGAGCCCATGCCAATGAGCATGCAACCCCTAAAGGGCCAGAGCATCCAG-3'
Protein context (NP_203699.1, residues 1534-1554): NFASRNDYSY[Trp1544Cys]LSTPEPMPMS

ClinVar aggregate classification (germline): Pathogenic (1 of 4 stars; one submission).

Submission:

Labcorp Genetics (formerly Invitae), Labcorp
Classification: Pathogenic. Last evaluated: 2025-09-02. Review status: criteria provided, single submitter. Criteria: Invitae Variant Classification Sherloc (09022015). Collection method: clinical testing. Allele origin: germline.
Comment: This sequence change replaces tryptophan, which is neutral and slightly polar, with cysteine, which is neutral and slightly polar, at codon 1538 of the COL4A5 protein (p.Trp1538Cys). This variant is not present in population databases (gnomAD no frequency). This missense change has been observed in individuals with Alport syndrome (PMID: 35020912, 37100867; internal data). This variant is also known as c.4632G>C (p.Trp1544Cys). ClinVar contains an entry for this variant (Variation ID: 1053313). Invitae Evidence Modeling of protein sequence and biophysical properties (such as structural, functional, and spatial information, amino acid conservation, physicochemical variation, residue mobility, and thermodynamic stability) indicates that this missense variant is expected to disrupt COL4A5 protein function with a positive predictive value of 95%. This variant disrupts the p.Trp1538 amino acid residue in COL4A5. Other variant(s) that disrupt this residue have been observed in individuals with COL4A5-related conditions (PMID: 1635357, 8406498), which suggests that this may be a clinically significant amino acid residue. For these reasons, this variant has been classified as Pathogenic.

Literature cited by the submitters: PubMed 35020912; PubMed 37100867; PubMed 1635357; PubMed 8406498.